The following is an entry in ClinVar:

NM_000179.3(MSH6):c.1091T>C (p.Val364Ala)

Gene: MSH6 (mutS homolog 6; plus strand). Cytogenetic location: 2p16.3.
Variant type: single nucleotide variant.
Coding change: c.1091T>C on transcript NM_000179.3 (MANE Select); coding-DNA position 1091, T replaced by C.
Protein change: p.Val364Ala; replaces valine 364 with alanine.
Molecular consequence: missense variant.
Genome position (GRCh38, 1-based): chr2:47,799,074, T>C. VCF-style: chr2-47799074-T-C. GRCh37 (hg19) VCF-style: chr2-48026213-T-C.
Other names: c.701T>C, p.Val234Ala (NM_001281492.2); c.185T>C, p.Val62Ala (NM_001281493.2, NM_001281494.2); short protein forms V62A, V234A, V364A.
Identifiers: ClinVar variation 1358407 (VCV001358407.15), dbSNP rs2104319027, ClinGen allele CA346741857.

ClinVar aggregate classification (germline): Conflicting classifications of pathogenicity. Review status: criteria provided, conflicting classifications (1 of 4 stars). 4 submissions from 4 submitters: Uncertain significance (3); Likely benign (1). Last evaluated 2026-08-19.

Conditions:
Hereditary cancer-predisposing syndrome. Also called: Hereditary Cancer Syndrome; Neoplastic Syndromes, Hereditary; Hereditary neoplastic syndrome; Tumor predisposition. Identifiers: Orphanet 140162, MedGen C0027672, MeSH D009386, MONDO:0015356.
Hereditary nonpolyposis colorectal neoplasms. Identifiers: MedGen C0009405, MeSH D003123.
Endometrial carcinoma. Also called: Endometrial carcinoma, somatic. Identifiers: MedGen C0476089, MONDO:0002447, OMIM 608089, HP:0012114.

Submissions (4):

Ambry Genetics
Classification: Likely benign for Hereditary cancer-predisposing syndrome. Last evaluated: 2026-08-19. Review status: criteria provided, single submitter. Criteria: Ambry Variant Classification Scheme 2023. Collection method: clinical testing. Allele origin: germline.

Baylor Genetics
Classification: Uncertain significance for Endometrial carcinoma. Last evaluated: 2023-08-25. Review status: criteria provided, single submitter. Criteria: ACMG Guidelines, 2015. Collection method: clinical testing. Allele origin: unknown.

GeneDx
Classification: Uncertain significance. Last evaluated: 2022-08-03. Review status: criteria provided, single submitter. Criteria: GeneDx Variant Classification Process June 2021. Collection method: clinical testing. Allele origin: germline. Affected: yes.
Comment: Not observed at significant frequency in large population cohorts (gnomAD); In silico analysis supports that this missense variant does not alter protein structure/function; Has not been previously published as pathogenic or benign to our knowledge; This variant is associated with the following publications: (PMID: 21120944, 17531815)

Labcorp Genetics (formerly Invitae), Labcorp
Classification: Uncertain significance for Hereditary nonpolyposis colorectal neoplasms. Last evaluated: 2022-07-26. Review status: criteria provided, single submitter. Criteria: Invitae Variant Classification Sherloc (09022015). Collection method: clinical testing. Allele origin: germline.
Comment: In summary, the available evidence is currently insufficient to determine the role of this variant in disease. Therefore, it has been classified as a Variant of Uncertain Significance. Advanced modeling of protein sequence and biophysical properties (such as structural, functional, and spatial information, amino acid conservation, physicochemical variation, residue mobility, and thermodynamic stability) performed at Invitae indicates that this missense variant is not expected to disrupt MSH6 protein function. ClinVar contains an entry for this variant (Variation ID: 1358407). This variant has not been reported in the literature in individuals affected with MSH6-related conditions. This variant is not present in population databases (gnomAD no frequency). This sequence change replaces valine, which is neutral and non-polar, with alanine, which is neutral and non-polar, at codon 364 of the MSH6 protein (p.Val364Ala).